The following is an entry in ClinVar:

ClinVar aggregate classification (germline): Likely benign. Review status: reviewed by expert panel (3 of 4 stars). 10 submissions from 10 submitters: Likely benign (1). 9 of the submissions do not count toward it. Last evaluated 2017-12-15.

Conditions:
BRCA1-related disorder. Also called: BRCA1-related condition.
Hereditary breast ovarian cancer syndrome. Also called: Hereditary breast and ovarian cancer syndrome; Hereditary breast and ovarian cancer syndrome (HBOC); BRCA1- and BRCA2-Associated Hereditary Breast and Ovarian Cancer; Breast and ovarian cancer; Hereditary breast and ovarian cancer; Hereditary breast and/or ovarian cancer syndrome. Identifiers: Orphanet 145, MedGen C0677776, MeSH D061325, MONDO:0003582. Disease mechanism: loss of function.
Hereditary cancer-predisposing syndrome. Also called: Hereditary Cancer Syndrome; Hereditary neoplastic syndrome; Tumor predisposition; Neoplastic Syndromes, Hereditary. Identifiers: Orphanet 140162, MedGen C0027672, MeSH D009386, MONDO:0015356.
Breast-ovarian cancer, familial, susceptibility to, 1 (BROVCA1). Also called: OVARIAN CANCER, SUSCEPTIBILITY TO; BRCA1 Hereditary Breast and Ovarian Cancer. Identifiers: Orphanet 145, MedGen C2676676, MONDO:0011450, OMIM 604370. Disease mechanism: loss of function.

Allele frequency attached by ClinVar (database versions not stated): ExAC 0.00001; gnomAD exomes 0.00001 and 0.00002; gnomAD 0.00004; TOPMed 0.00004.
gnomAD v4.1: 24 of 1,614,014 alleles (0.0015%); highest among the groups gnomAD compares: African/African-American, 0.004%; no homozygotes.

Submissions (10):

Evidence-based Network for the Interpretation of Germline Mutant Alleles (ENIGMA)
Classification: Likely benign for Breast-ovarian cancer, familial, susceptibility to, 1. Last evaluated: 2017-12-15. Review status: reviewed by expert panel. Criteria: ENIGMA BRCA1/2 Classification Criteria (2017-06-29). Collection method: curation. Allele origin: germline. Study: ENIGMA.
Comment: Synonymous substitution variant with low bioinformatic likelihood to alter mRNA splicing (splicing prior 0.02)

Labcorp Genetics (formerly Invitae), Labcorp
Classification: Likely benign for Hereditary breast ovarian cancer syndrome. Last evaluated: 2026-01-30. Review status: criteria provided, single submitter. Criteria: Invitae Variant Classification Sherloc (09022015). Collection method: clinical testing. Allele origin: germline. Not counted in ClinVar's aggregate classification.

All of Us Research Program, National Institutes of Health
Classification: Likely benign for Breast-ovarian cancer, familial, susceptibility to, 1. Last evaluated: 2023-11-02. Review status: criteria provided, single submitter. Criteria: ACMG Guidelines, 2015. Collection method: clinical testing. Allele origin: germline. Inheritance: Autosomal dominant inheritance. Observed: 5 variant alleles, 5 heterozygotes. Not counted in ClinVar's aggregate classification.
Comment: This study involves interpretation of variants in research participants for the purpose of population health screening. Participant phenotype was not available at the time of variant classification. Additional details can be found in publication PMID: 35346344, PMCID: PMC8962531

GeneDx
Classification: Likely benign. Last evaluated: 2021-03-01. Review status: criteria provided, single submitter. Criteria: GeneDx Variant Classification Process June 2021. Collection method: clinical testing. Allele origin: germline. Affected: yes. Not counted in ClinVar's aggregate classification.

Women's Health and Genetics/Laboratory Corporation of America, LabCorp
Classification: Likely benign. Last evaluated: 2020-01-31. Review status: criteria provided, single submitter. Criteria: LabCorp Variant Classification Summary - May 2015. Collection method: clinical testing. Allele origin: germline. Not counted in ClinVar's aggregate classification.

Color Diagnostics, LLC DBA Color Health
Classification: Likely benign for Hereditary cancer-predisposing syndrome. Last evaluated: 2016-04-07. Review status: criteria provided, single submitter. Criteria: ACMG Guidelines, 2015. Collection method: clinical testing. Allele origin: germline. Not counted in ClinVar's aggregate classification.

Ambry Genetics
Classification: Likely benign for Hereditary cancer-predisposing syndrome. Last evaluated: 2015-03-19. Review status: criteria provided, single submitter. Criteria: Ambry Variant Classification Scheme 2023. Collection method: clinical testing. Allele origin: germline. Not counted in ClinVar's aggregate classification.

PreventionGenetics, part of Exact Sciences
Classification: Likely benign for BRCA1-related condition. Last evaluated: 2022-10-18. Review status: no assertion criteria provided. Collection method: clinical testing. Allele origin: germline. Not counted in ClinVar's aggregate classification.
Comment: This variant is classified as likely benign based on ACMG/AMP sequence variant interpretation guidelines (Richards et al. 2015 PMID: 25741868, with internal and published modifications).

Clinical Genetics DNA and cytogenetics Diagnostics Lab, Erasmus MC, Erasmus Medical Center
Classification: Benign. Review status: no assertion criteria provided. Collection method: clinical testing. Allele origin: germline. Affected: yes. Study: VKGL Data-share Consensus. Not counted in ClinVar's aggregate classification.

Joint Genome Diagnostic Labs from Nijmegen and Maastricht, Radboudumc and MUMC+
Classification: Likely benign. Review status: no assertion criteria provided. Collection method: clinical testing. Allele origin: germline. Affected: yes. Study: VKGL Data-share Consensus. Not counted in ClinVar's aggregate classification.

NM_007294.4(BRCA1):c.1893A>C (p.Leu631=)

Gene: BRCA1 (BRCA1 DNA repair associated; minus strand). Cytogenetic location: 17q21.31.
Variant type: single nucleotide variant.
Coding change: c.1893A>C on transcript NM_007294.4 (MANE Select); coding-DNA position 1893, A replaced by C.
Protein change: p.Leu631=; no amino-acid change (leucine 631 retained).
Molecular consequence: synonymous variant. On other transcripts: intron variant (137).
Genome position (GRCh38, 1-based): chr17:43,093,638, T>G on the plus strand (A>C on the coding strand, the complement: BRCA1 is on the minus strand). VCF-style: chr17-43093638-T-G. GRCh37 (hg19) VCF-style: chr17-41245655-T-G.
Other names: c.1680A>C, p.Leu560= (NM_001407571.1, NM_001407853.1, NM_001407894.1 and 9 more transcripts); c.1893A>C, p.Leu631= (NM_001407581.1, NM_001407582.1, NM_001407583.1 and 30 more transcripts); c.1890A>C, p.Leu630= (NM_001407587.1, NM_001407590.1, NM_001407591.1 and 22 more transcripts); c.1884A>C, p.Leu628= (NM_001407646.1, NM_001407647.1); c.1770A>C, p.Leu590= (NM_001407648.1, NM_001407664.1, NM_001407665.1 and 19 more transcripts); c.1767A>C, p.Leu589= (NM_001407649.1, NM_001407670.1, NM_001407671.1 and 11 more transcripts); c.1815A>C, p.Leu605= (NM_001407653.1, NM_001407654.1, NM_001407655.1 and 4 more transcripts); c.1812A>C, p.Leu604= (NM_001407659.1, NM_001407660.1, NM_001407661.1 and 1 more transcripts); and 40 more.
Identifiers: ClinVar variation 184306 (VCV000184306.27), dbSNP rs80356834, ClinGen allele CA001232.